The following is an entry in ClinVar:

ClinVar aggregate classification (germline): Uncertain significance (1 of 4 stars; one submission).

Submission:

Labcorp Genetics (formerly Invitae), Labcorp
Classification: Uncertain significance. Last evaluated: 2021-09-30. Review status: criteria provided, single submitter. Criteria: Invitae Variant Classification Sherloc (09022015). Collection method: clinical testing. Allele origin: germline.
Comment: In summary, the available evidence is currently insufficient to determine the role of this variant in disease. Therefore, it has been classified as a Variant of Uncertain Significance. Algorithms developed to predict the effect of missense changes on protein structure and function are either unavailable or do not agree on the potential impact of this missense change (SIFT: "Tolerated"; PolyPhen-2: "Possibly Damaging"; Align-GVGD: "Class C0"). This variant has not been reported in the literature in individuals affected with TTLL5-related conditions. This variant is not present in population databases (ExAC no frequency). This sequence change replaces proline with alanine at codon 990 of the TTLL5 protein (p.Pro990Ala). The proline residue is moderately conserved and there is a small physicochemical difference between proline and alanine.

NM_015072.5(TTLL5):c.2968C>G (p.Pro990Ala)

Gene: TTLL5 (tubulin tyrosine ligase like 5; plus strand). Cytogenetic location: 14q24.3.
Variant type: single nucleotide variant.
Coding change: c.2968C>G on transcript NM_015072.5 (MANE Select); coding-DNA position 2968, C replaced by G.
Protein change: p.Pro990Ala; replaces proline 990 with alanine.
Molecular consequence: missense variant.
Genome position (GRCh38, 1-based): chr14:75,783,512, C>G. VCF-style: chr14-75783512-C-G. GRCh37 (hg19) VCF-style: chr14-76249855-C-G.
Other names: short protein forms P990A.
Identifiers: ClinVar variation 1468926 (VCV001468926.6), dbSNP rs2140331655, ClinGen allele CA390472740.